The following is an entry in ClinVar:

NM_001257.5(CDH13):c.1389C>T (p.Thr463=)

Gene: CDH13 (cadherin 13; plus strand). Cytogenetic location: 16q23.3.
Variant type: single nucleotide variant.
Coding change: c.1389C>T on transcript NM_001257.5 (MANE Select); coding-DNA position 1389, C replaced by T.
Protein change: p.Thr463=; no amino-acid change (threonine 463 retained).
Molecular consequence: synonymous variant.
Genome position (GRCh38, 1-based): chr16:83,678,312, C>T. VCF-style: chr16-83678312-C-T. GRCh37 (hg19) VCF-style: chr16-83711917-C-T.
Other names: c.1530C>T, p.Thr510= (NM_001220488.2); c.1272C>T, p.Thr424= (NM_001220489.2); c.627C>T, p.Thr209= (NM_001220490.2); c.1530C>T (NM_001220488.1).
Identifiers: ClinVar variation 759658 (VCV000759658.5), dbSNP rs112122090, ClinGen allele CA8196747.
Genomic context (GRCh38, chr16:83,678,312, plus strand): 5'-AGTGGAAAATGAAGACCCACTCGTACCCGACGTCTCCTACGGCCCCAGCTCCACAGCCAC[C>T]GTCCACATCACTGTCCTGGATGTCAACGAGGGCCCAGTCTTCTACCCAGACCCCATGATG-3'
Protein context (NP_001248.1, residues 453-473): DVSYGPSSTA[Thr463=]VHITVLDVNE

ClinVar aggregate classification (germline): Likely benign. Review status: criteria provided, single submitter (1 of 4 stars). 2 submissions from 2 submitters: Likely benign (1). 1 of the submissions does not count toward it. Last evaluated 2018-07-07.

Conditions:
CDH13-related disorder. Also called: CDH13-related condition.

Allele frequency attached by ClinVar (database versions not stated): gnomAD 0.00002 and 0.00004; ExAC 0.00003; gnomAD exomes 0.00003; TOPMed 0.00003.
gnomAD v4.1: 45 of 1,613,878 alleles (0.0028%); highest among the groups gnomAD compares: African/African-American, 0.0093%; no homozygotes.

Submissions (2):

Labcorp Genetics (formerly Invitae), Labcorp
Classification: Likely benign. Last evaluated: 2018-07-07. Review status: criteria provided, single submitter. Criteria: Invitae Variant Classification Sherloc (09022015). Collection method: clinical testing. Allele origin: germline.

PreventionGenetics, part of Exact Sciences
Classification: Likely benign for CDH13-related condition. Last evaluated: 2019-03-18. Review status: no assertion criteria provided. Collection method: clinical testing. Allele origin: germline. Not counted in ClinVar's aggregate classification.
Comment: This variant is classified as likely benign based on ACMG/AMP sequence variant interpretation guidelines (Richards et al. 2015 PMID: 25741868, with internal and published modifications).